The following is an entry in ClinVar:

ClinVar aggregate classification (germline): Uncertain significance (1 of 4 stars; one submission).

Submission:

Labcorp Genetics (formerly Invitae), Labcorp
Classification: Uncertain significance. Last evaluated: 2022-03-26. Review status: criteria provided, single submitter. Criteria: Invitae Variant Classification Sherloc (09022015). Collection method: clinical testing. Allele origin: germline.
Comment: In summary, the available evidence is currently insufficient to determine the role of this variant in disease. Therefore, it has been classified as a Variant of Uncertain Significance. Algorithms developed to predict the effect of missense changes on protein structure and function (SIFT, PolyPhen-2, Align-GVGD) all suggest that this variant is likely to be tolerated. This variant has not been reported in the literature in individuals affected with MPDZ-related conditions. This variant is not present in population databases (gnomAD no frequency). This sequence change replaces serine, which is neutral and polar, with threonine, which is neutral and polar, at codon 1935 of the MPDZ protein (p.Ser1935Thr).

NM_001378778.1(MPDZ):c.5891G>C (p.Ser1964Thr)

Gene: MPDZ (multiple PDZ domain crumbs cell polarity complex component; minus strand). Cytogenetic location: 9p23.
Variant type: single nucleotide variant.
Coding change: c.5891G>C on transcript NM_001378778.1 (MANE Select); coding-DNA position 5891, G replaced by C.
Protein change: p.Ser1964Thr; replaces serine 1964 with threonine.
Molecular consequence: missense variant.
Genome position (GRCh38, 1-based): chr9:13,110,003, C>G on the plus strand (G>C on the coding strand, the complement: MPDZ is on the minus strand). VCF-style: chr9-13110003-C-G. GRCh37 (hg19) VCF-style: chr9-13110002-C-G.
Other names: c.5792G>C, p.Ser1931Thr (NM_001261406.2, NM_001375416.1, NM_001375417.1 and 1 more transcripts); c.5705G>C, p.Ser1902Thr (NM_001261407.2, NM_001375419.1); c.5891G>C, p.Ser1964Thr (NM_001330637.2); c.5990G>C, p.Ser1997Thr (NM_001375413.1); c.5681G>C, p.Ser1894Thr (NM_001375420.1, NM_001375421.1, NM_001375422.1 and 2 more transcripts); c.5594G>C, p.Ser1865Thr (NM_001375425.1, NM_001375426.1); c.5483G>C, p.Ser1828Thr (NM_001375427.1); c.5804G>C, p.Ser1935Thr (NM_003829.5); short protein forms S1931T, S1894T, S1935T, S1828T, S1902T, S1964T, S1865T, S1997T.
Identifiers: ClinVar variation 2150366 (VCV002150366.4), dbSNP rs1942168376, ClinGen allele CA372940182.